The following is an entry in ClinVar:

NM_001282933.2(ZNF341):c.1414G>A (p.Val472Met)

Gene: ZNF341 (zinc finger protein 341; plus strand). Cytogenetic location: 20q11.22.
Variant type: single nucleotide variant.
Coding change: c.1414G>A on transcript NM_001282933.2 (MANE Select); coding-DNA position 1414, G replaced by A.
Protein change: p.Val472Met; replaces valine 472 with methionine.
Molecular consequence: missense variant. On other transcripts: non-coding transcript variant (1).
Genome position (GRCh38, 1-based): chr20:33,770,084, G>A. VCF-style: chr20-33770084-G-A. GRCh37 (hg19) VCF-style: chr20-32357890-G-A.
Other names: c.1144G>A, p.Val382Met (NM_001282935.2); c.1393G>A, p.Val465Met (NM_032819.5); short protein forms V465M, V472M, V382M.
Identifiers: ClinVar variation 3021163 (VCV003021163.2), dbSNP rs370061938, ClinGen allele CA9819451.

ClinVar aggregate classification (germline): Uncertain significance (1 of 4 stars; one submission).

Allele frequency attached by ClinVar (database versions not stated): gnomAD exomes below 0.00001; ExAC 0.00001; ESP Exome Variant Server 0.00015.
gnomAD v4.1: 7 of 1,612,510 alleles (0.00043%); highest among the groups gnomAD compares: African/African-American, 0.008%; no homozygotes.

Submission:

Labcorp Genetics (formerly Invitae), Labcorp
Classification: Uncertain significance. Last evaluated: 2023-10-05. Review status: criteria provided, single submitter. Criteria: Invitae Variant Classification Sherloc (09022015). Collection method: clinical testing. Allele origin: germline.
Comment: This sequence change replaces valine, which is neutral and non-polar, with methionine, which is neutral and non-polar, at codon 465 of the ZNF341 protein (p.Val465Met). This variant is not present in population databases (gnomAD no frequency). This variant has not been reported in the literature in individuals affected with ZNF341-related conditions. An algorithm developed to predict the effect of missense changes on protein structure and function (PolyPhen-2) suggests that this variant is likely to be disruptive. Algorithms developed to predict the effect of sequence changes on RNA splicing suggest that this variant may disrupt the consensus splice site. In summary, the available evidence is currently insufficient to determine the role of this variant in disease. Therefore, it has been classified as a Variant of Uncertain Significance.